The following is an entry in ClinVar:

ClinVar aggregate classification (germline): Uncertain significance. Review status: criteria provided, multiple submitters, no conflicts (2 of 4 stars). 3 submissions from 3 submitters: Uncertain significance (3). Last evaluated 2025-11-26.

Conditions:
Emery-Dreifuss muscular dystrophy 5, autosomal dominant (EDMD5). Also called: EMERY-DREIFUSS MUSCULAR DYSTROPHY 5. Identifiers: Orphanet 261, MedGen C2751805, MONDO:0013072, OMIM 612999.

Allele frequency attached by ClinVar (database versions not stated): gnomAD exomes 0.00013 and 0.00015; gnomAD 0.00011; TOPMed 0.00011; ExAC 0.00011.
gnomAD v4.1: 231 of 1,613,934 alleles (0.014%); highest among the groups gnomAD compares: Non-Finnish European, 0.017%; no homozygotes.

Submissions (3):

Labcorp Genetics (formerly Invitae), Labcorp
Classification: Uncertain significance for Emery-Dreifuss muscular dystrophy 5, autosomal dominant. Last evaluated: 2025-11-26. Review status: criteria provided, single submitter. Criteria: Invitae Variant Classification Sherloc (09022015). Collection method: clinical testing. Allele origin: germline.
Comment: This sequence change replaces aspartic acid, which is acidic and polar, with asparagine, which is neutral and polar, at codon 6001 of the SYNE2 protein (p.Asp6001Asn). This variant is present in population databases (rs769737846, gnomAD 0.02%). This variant has not been reported in the literature in individuals affected with SYNE2-related conditions. ClinVar contains an entry for this variant (Variation ID: 656730). An algorithm developed to predict the effect of missense changes on protein structure and function (PolyPhen-2) suggests that this variant is likely to be tolerated. In summary, the available evidence is currently insufficient to determine the role of this variant in disease. Therefore, it has been classified as a Variant of Uncertain Significance.

Ambry Genetics
Classification: Uncertain significance. Last evaluated: 2025-09-05. Review status: criteria provided, single submitter. Criteria: Ambry Variant Classification Scheme 2023. Collection method: clinical testing. Allele origin: germline.

Revvity Omics, Revvity
Classification: Uncertain significance for Emery-Dreifuss muscular dystrophy 5, autosomal dominant. Last evaluated: 2019-11-08. Review status: criteria provided, single submitter. Criteria: ACMG Guidelines, 2015. Collection method: clinical testing. Allele origin: germline.

NM_182914.3(SYNE2):c.18001G>A (p.Asp6001Asn)

Gene: SYNE2 (spectrin repeat containing nuclear envelope protein 2; plus strand). Cytogenetic location: 14q23.2.
Variant type: single nucleotide variant.
Coding change: c.18001G>A on transcript NM_182914.3 (MANE Select); coding-DNA position 18001, G replaced by A.
Protein change: p.Asp6001Asn; replaces aspartic acid 6001 with asparagine.
Molecular consequence: missense variant.
Genome position (GRCh38, 1-based): chr14:64,190,200, G>A. VCF-style: chr14-64190200-G-A. GRCh37 (hg19) VCF-style: chr14-64656918-G-A.
Other names: c.18001G>A, p.Asp6001Asn (NM_015180.6); short protein forms D6001N.
Identifiers: ClinVar variation 656730 (VCV000656730.13), dbSNP rs769737846, ClinGen allele CA7223891.